The following is an entry in ClinVar:

ClinVar aggregate classification (germline): Benign/Likely benign. Review status: criteria provided, multiple submitters, no conflicts (2 of 4 stars). 3 submissions from 3 submitters: Benign (1); Likely benign (1). 1 of the submissions does not count toward it. Last evaluated 2024-12-26.

Conditions:
Autosomal recessive polycystic kidney disease (ARPKD). Also called: AR polycystic kidney disease. Identifiers: Orphanet 731, Orphanet 8378, MedGen C0085548, MeSH D017044, MONDO:0009889.
PKHD1-related disorder. Also called: PKHD1-related condition.

Allele frequency attached by ClinVar (database versions not stated): gnomAD 0.00001; TOPMed 0.00002; gnomAD exomes 0.00004 and 0.00009; ExAC 0.00010.
gnomAD v4.1: 74 of 1,613,800 alleles (0.0046%); highest among the groups gnomAD compares: Middle Eastern, 0.033%; 1 homozygote.

Submissions (3):

PreventionGenetics, part of Exact Sciences
Classification: Likely benign for PKHD1-related condition. Last evaluated: 2024-12-26. Review status: criteria provided, single submitter. Criteria: ACMG Guidelines, 2015. Collection method: clinical testing. Allele origin: germline.
Comment: This variant is classified as likely benign based on ACMG/AMP sequence variant interpretation guidelines (Richards et al. 2015 PMID: 25741868, with internal and published modifications).

Labcorp Genetics (formerly Invitae), Labcorp
Classification: Benign for Autosomal recessive polycystic kidney disease. Last evaluated: 2024-01-19. Review status: criteria provided, single submitter. Criteria: Invitae Variant Classification Sherloc (09022015). Collection method: clinical testing. Allele origin: germline.

Natera, Inc.
Classification: Likely benign for Autosomal recessive polycystic kidney disease. Last evaluated: 2018-10-11. Review status: no assertion criteria provided. Collection method: clinical testing. Allele origin: germline. Not counted in ClinVar's aggregate classification.

NM_138694.4(PKHD1):c.1929C>A (p.Thr643=)

Gene: PKHD1 (PKHD1 ciliary IPT domain containing fibrocystin/polyductin; minus strand). Cytogenetic location: 6p12.2.
Variant type: single nucleotide variant.
Coding change: c.1929C>A on transcript NM_138694.4 (MANE Select); coding-DNA position 1929, C replaced by A.
Protein change: p.Thr643=; no amino-acid change (threonine 643 retained).
Molecular consequence: synonymous variant.
Genome position (GRCh38, 1-based): chr6:52,054,073, G>T on the plus strand (C>A on the coding strand, the complement: PKHD1 is on the minus strand). VCF-style: chr6-52054073-G-T. GRCh37 (hg19) VCF-style: chr6-51918871-G-T.
Other names: c.1929C>A, p.Thr643= (NM_170724.3).
Identifiers: ClinVar variation 698273 (VCV000698273.17), dbSNP rs775144938, ClinGen allele CA3853393.